The following is an entry in ClinVar:

NM_006421.5(ARFGEF1):c.2524C>T (p.Gln842Ter)

Gene: ARFGEF1 (ARF guanine nucleotide exchange factor 1; minus strand). Cytogenetic location: 8q13.2.
Variant type: single nucleotide variant.
Coding change: c.2524C>T on transcript NM_006421.5 (MANE Select); coding-DNA position 2524, C replaced by T.
Protein change: p.Gln842Ter; replaces glutamine 842 with a stop codon.
Molecular consequence: nonsense.
Genome position (GRCh38, 1-based): chr8:67,257,734, G>A on the plus strand (C>T on the coding strand, the complement: ARFGEF1 is on the minus strand). VCF-style: chr8-67257734-G-A. GRCh37 (hg19) VCF-style: chr8-68169969-G-A.
Other names: short protein forms Q842*.
Identifiers: ClinVar variation 995855 (VCV000995855.5), dbSNP rs1840507738, ClinGen allele CA371213479.
Genomic context (GRCh38, chr8:67,257,734, plus strand): 5'-AGAATAATGTACTTATTTTGTACCGCTTATTGTAAAACTGACTTAAAAGAAAACATACCT[G>A]TGGACTGTGAAGGTCTGTGGTCAACATGATAATTGAATAAGCCAAAACATAAGCTGTATC-3'

ClinVar aggregate classification (germline): Pathogenic. Review status: criteria provided, single submitter (1 of 4 stars). 2 submissions from 2 submitters: Pathogenic (1). 1 of the submissions does not count toward it. Last evaluated 2021-01-14.

Conditions:
DEVELOPMENTAL DELAY, IMPAIRED SPEECH, BEHAVIORAL ABNORMALITIES, AND SEIZURES.
Seizure. Also called: Seizures. Identifiers: MedGen C0036572, HP:0001250.

Submissions (2):

Lupski Lab, Baylor-Hopkins CMG, Baylor College of Medicine
Classification: Pathogenic for Seizure. Last evaluated: 2021-01-14. Review status: criteria provided, single submitter. Criteria: ACMG Guidelines, 2015. Collection method: research. Allele origin: de novo. Inheritance: Autosomal dominant inheritance. Affected: yes. Observed: 1 variant allele, 1 heterozygote.

OMIM
Classification: Pathogenic for DEVELOPMENTAL DELAY, IMPAIRED SPEECH, BEHAVIORAL ABNORMALITIES, AND SEIZURES. Last evaluated: 2022-08-23. Review status: no assertion criteria provided. Collection method: literature only. Allele origin: germline. Not counted in ClinVar's aggregate classification.

Literature cited by the submitters: PubMed 34113008 (cited by OMIM).